The following is an entry in ClinVar:

ClinVar aggregate classification (germline): Likely benign. Review status: criteria provided, multiple submitters, no conflicts (2 of 4 stars). 2 submissions from 2 submitters: Likely benign (2). Last evaluated 2023-02-01.

Submissions (2):

CeGaT Center for Human Genetics Tuebingen
Classification: Likely benign. Last evaluated: 2023-02-01. Review status: criteria provided, single submitter. Criteria: CeGaT Center For Human Genetics Tuebingen Variant Classification Criteria Version 2. Collection method: clinical testing. Allele origin: germline. Affected: yes. Observed: 1 variant allele.
Comment: DCHS1: BP4

Labcorp Genetics (formerly Invitae), Labcorp
Classification: Likely benign. Last evaluated: 2022-04-01. Review status: criteria provided, single submitter. Criteria: Invitae Variant Classification Sherloc (09022015). Collection method: clinical testing. Allele origin: germline.

NM_003737.4(DCHS1):c.2947C>A (p.Arg983=)

Gene: DCHS1 (dachsous cadherin-related 1; minus strand). Cytogenetic location: 11p15.4.
Variant type: single nucleotide variant.
Coding change: c.2947C>A on transcript NM_003737.4 (MANE Select); coding-DNA position 2947, C replaced by A.
Protein change: p.Arg983=; no amino-acid change (arginine 983 retained).
Molecular consequence: synonymous variant.
Genome position (GRCh38, 1-based): chr11:6,632,565, G>T on the plus strand (C>A on the coding strand, the complement: DCHS1 is on the minus strand). VCF-style: chr11-6632565-G-T. GRCh37 (hg19) VCF-style: chr11-6653796-G-T.
Identifiers: ClinVar variation 1902020 (VCV001902020.29), dbSNP rs754395582, ClinGen allele CA5860631.